The following is an entry in ClinVar:

ClinVar aggregate classification (germline): Benign (1 of 4 stars; one submission).

Allele frequency attached by ClinVar (database versions not stated): 1000 Genomes Project 0.04093; gnomAD 0.04440 and 0.04639; 1000 Genomes Project 30x 0.04482; TOPMed 0.04738.
gnomAD v4.1: 6,719 of 152,102 alleles (4.4%); highest among the groups gnomAD compares: African/African-American, 9.7%; 247 homozygotes.

Submission:

GeneDx
Classification: Benign. Last evaluated: 2018-06-14. Review status: criteria provided, single submitter. Criteria: GeneDx Variant Classification (06012015). Collection method: clinical testing. Allele origin: germline. Affected: yes.
Comment: This variant is considered likely benign or benign based on one or more of the following criteria: it is a conservative change, it occurs at a poorly conserved position in the protein, it is predicted to be benign by multiple in silico algorithms, and/or has population frequency not consistent with disease.

NM_001854.4(COL11A1):c.1414-226A>G

Gene: COL11A1 (collagen type XI alpha 1 chain; minus strand). Cytogenetic location: 1p21.1.
Variant type: single nucleotide variant.
Coding change: c.1414-226A>G on transcript NM_001854.4 (MANE Select); 226 bases into the intron before coding-DNA position 1414, A replaced by G.
Molecular consequence: intron variant.
Genome position (GRCh38, 1-based): chr1:103,015,968, T>C on the plus strand (A>G on the coding strand, the complement: COL11A1 is on the minus strand). VCF-style: chr1-103015968-T-C. GRCh37 (hg19) VCF-style: chr1-103481524-T-C.
Other names: c.1297-226A>G (NM_001190709.2); c.1450-226A>G (NM_080629.3); c.1066-226A>G (NM_080630.4).
Identifiers: ClinVar variation 677961 (VCV000677961.1), dbSNP rs112596718, ClinGen allele CA27741434.